The following is an entry in ClinVar:

ClinVar aggregate classification (germline): Uncertain significance (1 of 4 stars; one submission).

Conditions:
Malignant hyperthermia, susceptibility to, 1 (MHS1). Also called: Anesthesia related hyperthermia; Malignant hyperpyrexia; Fulminating hyperpyrexia; Pharmacogenic myopathy; RYR1-Related Malignant Hyperthermia Susceptibility; Malignant hyperthermia suceptibility 1. Identifiers: Orphanet 423, MedGen C2930980, MONDO:0007783, OMIM 145600.

Submission:

All of Us Research Program, National Institutes of Health
Classification: Uncertain significance for Malignant hyperthermia, susceptibility to, 1. Last evaluated: 2023-12-01. Review status: criteria provided, single submitter. Criteria: ACMG Guidelines, 2015. Collection method: clinical testing. Allele origin: germline. Inheritance: Autosomal dominant inheritance. Observed: 1 variant allele, 1 heterozygote.
Comment: This study involves interpretation of variants in research participants for the purpose of population health screening. Participant phenotype was not available at the time of variant classification. Additional details can be found in publication PMID: 35346344, PMCID: PMC8962531

NM_000540.3(RYR1):c.4091G>A (p.Gly1364Glu)

Gene: RYR1 (ryanodine receptor 1; plus strand). Cytogenetic location: 19q13.2.
Variant type: single nucleotide variant.
Coding change: c.4091G>A on transcript NM_000540.3 (MANE Select); coding-DNA position 4091, G replaced by A.
Protein change: p.Gly1364Glu; replaces glycine 1364 with glutamic acid.
Molecular consequence: missense variant.
Genome position (GRCh38, 1-based): chr19:38,473,702, G>A. VCF-style: chr19-38473702-G-A. GRCh37 (hg19) VCF-style: chr19-38964342-G-A.
Other names: c.4091G>A, p.Gly1364Glu (NM_001042723.2); short protein forms G1364E.
Identifiers: ClinVar variation 3074131 (VCV003074131.1), dbSNP rs1489344675, ClinGen allele CA405643031.